The following is an entry in ClinVar:

ClinVar aggregate classification (germline): Uncertain significance (1 of 4 stars; one submission).

Conditions:
Immunodeficiency 132A. Also called: Herpes simplex encephalitis, susceptibility to, 3. Identifiers: Orphanet 1930, MedGen C3553868, MONDO:0013920, OMIM 614849.

Submission:

Labcorp Genetics (formerly Invitae), Labcorp
Classification: Uncertain significance for Immunodeficiency 132A. Last evaluated: 2022-04-08. Review status: criteria provided, single submitter. Criteria: Invitae Variant Classification Sherloc (09022015). Collection method: clinical testing. Allele origin: germline.
Comment: This sequence change replaces threonine, which is neutral and polar, with isoleucine, which is neutral and non-polar, at codon 195 of the TRAF3 protein (p.Thr195Ile). This variant is not present in population databases (gnomAD no frequency). This variant has not been reported in the literature in individuals affected with TRAF3-related conditions. Algorithms developed to predict the effect of missense changes on protein structure and function (SIFT, PolyPhen-2, Align-GVGD) all suggest that this variant is likely to be tolerated. In summary, the available evidence is currently insufficient to determine the role of this variant in disease. Therefore, it has been classified as a Variant of Uncertain Significance.

NM_145725.3(TRAF3):c.584C>T (p.Thr195Ile)

Genes: TRAF3 (TNF receptor associated factor 3; plus strand), LOC126862065 (BRD4-independent group 4 enhancer GRCh37_chr14:103352003-103353202; plus strand). Cytogenetic location: 14q32.32.
Variant type: single nucleotide variant.
Coding change: c.584C>T on transcript NM_145725.3 (MANE Select); coding-DNA position 584, C replaced by T.
Protein change: p.Thr195Ile; replaces threonine 195 with isoleucine.
Molecular consequence: missense variant. On other transcripts: intron variant (2).
Genome position (GRCh38, 1-based): chr14:102,886,202, C>T. VCF-style: chr14-102886202-C-T. GRCh37 (hg19) VCF-style: chr14-103352539-C-T.
Other names: c.584C>T, p.Thr195Ile (NM_001385142.1, NM_003300.4, NM_145726.3); c.571-3358C>T (NM_001385143.1); c.570+9677C>T (NM_001199427.2); short protein forms T195I.
Identifiers: ClinVar variation 2123372 (VCV002123372.4), dbSNP rs2139916661, ClinGen allele CA391071510.